The following is an entry in ClinVar:

ClinVar aggregate classification (germline): Benign (1 of 4 stars; one submission).

Conditions:
Laron-type isolated somatotropin defect. Also called: GROWTH HORMONE RECEPTOR DEFICIENCY; Laron Syndrome; Growth hormone binding protein deficiency or dysfunction; Growth hormone receptor deficiency or dysfunction; Laron dwarfism; Laron type pituitary dwarfism I. Identifiers: Orphanet 633, MedGen C0271568, MONDO:0009877, OMIM 262500.

Allele frequency attached by ClinVar (database versions not stated): gnomAD 0.00001 and 0.00090; TOPMed 0.00016; 1000 Genomes Project 30x 0.00562; 1000 Genomes Project 0.00579.

Submission:

Illumina Laboratory Services, Illumina
Classification: Benign for Laron-type isolated somatotropin defect. Last evaluated: 2018-01-13. Review status: criteria provided, single submitter. Criteria: ICSL Variant Classification Criteria 13 December 2019. Collection method: clinical testing. Allele origin: germline.
Comment: This variant was observed in the ICSL laboratory as part of a predisposition screen in an ostensibly healthy population. It had not been previously curated by ICSL or reported in the Human Gene Mutation Database (HGMD: prior to June 1st, 2018), and was therefore a candidate for classification through an automated scoring system. Utilizing variant allele frequency, disease prevalence and penetrance estimates, and inheritance mode, an automated score was calculated to assess if this variant is too frequent to cause the disease. Based on the score and internal cut-off values, a variant classified as benign is not then subjected to further curation. The score for this variant resulted in a classification of benign for this disease.

NM_000163.5(GHR):c.*2294A>G

Gene: GHR (growth hormone receptor; plus strand). Cytogenetic location: 5p12.
Variant type: single nucleotide variant.
Coding change: c.*2294A>G on transcript NM_000163.5 (MANE Select); 2294 bases downstream of the stop codon, A replaced by G.
Molecular consequence: 3 prime UTR variant.
Genome position (GRCh38, 1-based): chr5:42,721,718, A>G. VCF-style: chr5-42721718-A-G. GRCh37 (hg19) VCF-style: chr5-42721820-A-G.
Other names: c.*2294A>G (NM_001242399.2, NM_001242400.2, NM_001242401.4 and 6 more transcripts); c.*3253A>G (NM_001242462.1).
Identifiers: ClinVar variation 353720 (VCV000353720.5), dbSNP rs368826175, ClinGen allele CA10620503.